The following is an entry in ClinVar:

NM_000754.4(COMT):c.756G>A (p.Glu252=)

Genes: ARVCF (ARVCF delta catenin family member; minus strand), COMT (catechol-O-methyltransferase; plus strand). Cytogenetic location: 22q11.21.
Variant type: single nucleotide variant.
Coding change: c.756G>A on transcript NM_000754.4 (MANE Select); coding-DNA position 756, G replaced by A.
Protein change: p.Glu252=; no amino-acid change (glutamic acid 252 retained).
Molecular consequence: synonymous variant.
Genome position (GRCh38, 1-based): chr22:19,968,676, G>A. VCF-style: chr22-19968676-G-A. GRCh37 (hg19) VCF-style: chr22-19956199-G-A.
Other names: c.756G>A, p.Glu252= (NM_001135161.2, NM_001135162.2, NM_001362828.2); c.606G>A, p.Glu202= (NM_007310.3).
Identifiers: ClinVar variation 3045453 (VCV003045453.2), dbSNP rs1277428084, ClinGen allele CA513364509.

ClinVar aggregate classification (germline): Likely benign (0 of 4 stars; one submission).

Conditions:
COMT-related disorder. Also called: COMT-related condition.

gnomAD v4.1: 2 of 1,613,962 alleles (0.00012%); highest among the groups gnomAD compares: Non-Finnish European, 0.00017%; no homozygotes.

Submission:

PreventionGenetics, part of Exact Sciences
Classification: Likely benign for COMT-related condition. Last evaluated: 2019-10-24. Review status: no assertion criteria provided. Collection method: clinical testing. Allele origin: germline.
Comment: This variant is classified as likely benign based on ACMG/AMP sequence variant interpretation guidelines (Richards et al. 2015 PMID: 25741868, with internal and published modifications).